The following is an entry in ClinVar:

NM_014317.5(PDSS1):c.162+3A>G

Gene: PDSS1 (decaprenyl diphosphate synthase subunit 1; plus strand). Cytogenetic location: 10p12.1.
Variant type: single nucleotide variant.
Coding change: c.162+3A>G on transcript NM_014317.5 (MANE Select); 3 bases into the intron after coding-DNA position 162, A replaced by G.
Molecular consequence: intron variant.
Genome position (GRCh38, 1-based): chr10:26,702,197, A>G. VCF-style: chr10-26702197-A-G. GRCh37 (hg19) VCF-style: chr10-26991126-A-G.
Other names: c.-432+3A>G (NM_001321979.2); c.162+3A>G (NM_001321978.2).
Identifiers: ClinVar variation 4696311 (VCV004696311.1).

ClinVar aggregate classification (germline): Uncertain significance (1 of 4 stars; one submission).

Submission:

Labcorp Genetics (formerly Invitae), Labcorp
Classification: Uncertain significance. Last evaluated: 2025-11-14. Review status: criteria provided, single submitter. Criteria: Invitae Variant Classification Sherloc (09022015). Collection method: clinical testing. Allele origin: germline.
Comment: This sequence change falls in intron 2 of the PDSS1 gene. It does not directly change the encoded amino acid sequence of the PDSS1 protein. It affects a nucleotide within the consensus splice site. The frequency data for this variant in the population databases is considered unreliable, as metrics indicate poor data quality at this position in the gnomAD database. This variant has not been reported in the literature in individuals affected with PDSS1-related conditions. Variants that disrupt the consensus splice site are a relatively common cause of aberrant splicing (PMID: 17576681, 9536098). Algorithms developed to predict the effect of sequence changes on RNA splicing suggest that this variant is not likely to affect RNA splicing. In summary, the available evidence is currently insufficient to determine the role of this variant in disease. Therefore, it has been classified as a Variant of Uncertain Significance.

Literature cited by the submitters: PubMed 17576681; PubMed 9536098.